The following is an entry in ClinVar:

NM_012448.4(STAT5B):c.417G>A (p.Gln139=)

Gene: STAT5B (signal transducer and activator of transcription 5B; minus strand). Cytogenetic location: 17q21.2.
Variant type: single nucleotide variant.
Coding change: c.417G>A on transcript NM_012448.4 (MANE Select); coding-DNA position 417, G replaced by A.
Protein change: p.Gln139=; no amino-acid change (glutamine 139 retained).
Molecular consequence: synonymous variant.
Genome position (GRCh38, 1-based): chr17:42,223,515, C>T on the plus strand (G>A on the coding strand, the complement: STAT5B is on the minus strand). VCF-style: chr17-42223515-C-T. GRCh37 (hg19) VCF-style: chr17-40375533-C-T.
Identifiers: ClinVar variation 2706752 (VCV002706752.3), dbSNP rs2508776866, ClinGen allele CA500061297.

ClinVar aggregate classification (germline): Uncertain significance (1 of 4 stars; one submission).

Conditions:
Growth hormone insensitivity with immune dysregulation 1, autosomal recessive. Also called: GROWTH HORMONE INSENSITIVITY DUE TO POSTRECEPTOR DEFECT; LARON SYNDROME DUE TO POSTRECEPTOR DEFECT; Laron syndrome with immunodeficiency; GROWTH HORMONE INSENSITIVITY SYNDROME WITH IMMUNE DYSREGULATION 1, AUTOSOMAL RECESSIVE. Identifiers: Orphanet 220465, MedGen C5435698, MONDO:0100211, OMIM 245590.

Submission:

Labcorp Genetics (formerly Invitae), Labcorp
Classification: Uncertain significance for Growth hormone insensitivity with immune dysregulation 1, autosomal recessive. Last evaluated: 2023-12-31. Review status: criteria provided, single submitter. Criteria: Invitae Variant Classification Sherloc (09022015). Collection method: clinical testing. Allele origin: germline.
Comment: This sequence change affects codon 139 of the STAT5B mRNA. It is a 'silent' change, meaning that it does not change the encoded amino acid sequence of the STAT5B protein. This variant is not present in population databases (gnomAD no frequency). This variant has not been reported in the literature in individuals affected with STAT5B-related conditions. Algorithms developed to predict the effect of sequence changes on RNA splicing suggest that this variant may disrupt the consensus splice site. In summary, the available evidence is currently insufficient to determine the role of this variant in disease. Therefore, it has been classified as a Variant of Uncertain Significance.